The following is an entry in ClinVar:

NM_144670.6(A2ML1):c.3682C>T (p.Gln1228Ter)

Gene: A2ML1 (alpha-2-macroglobulin like 1; plus strand). Cytogenetic location: 12p13.31.
Variant type: single nucleotide variant.
Coding change: c.3682C>T on transcript NM_144670.6 (MANE Select); coding-DNA position 3682, C replaced by T.
Protein change: p.Gln1228Ter; replaces glutamine 1228 with a stop codon.
Molecular consequence: nonsense.
Genome position (GRCh38, 1-based): chr12:8,863,973, C>T. VCF-style: chr12-8863973-C-T. GRCh37 (hg19) VCF-style: chr12-9016569-C-T.
Other names: c.2209C>T, p.Gln737Ter (NM_001282424.3); short protein forms Q1228*, Q737*.
Identifiers: ClinVar variation 2899846 (VCV002899846.3), dbSNP rs1307025398, ClinGen allele CA383842612.

ClinVar aggregate classification (germline): Uncertain significance (1 of 4 stars; one submission).

Allele frequency attached by ClinVar (database versions not stated): TOPMed below 0.00001; gnomAD 0.00001; gnomAD exomes 0.00001.
gnomAD v4.1: 10 of 1,612,880 alleles (0.00062%); highest among the groups gnomAD compares: African/African-American, 0.0013%; no homozygotes.

Submission:

Labcorp Genetics (formerly Invitae), Labcorp
Classification: Uncertain significance. Last evaluated: 2023-08-24. Review status: criteria provided, single submitter. Criteria: Invitae Variant Classification Sherloc (09022015). Collection method: clinical testing. Allele origin: germline.
Comment: This sequence change creates a premature translational stop signal (p.Gln1228*) in the A2ML1 gene. It is expected to result in an absent or disrupted protein product. However, the current clinical and genetic evidence is not sufficient to establish whether loss-of-function variants in A2ML1 cause disease. This variant is present in population databases (no rsID available, gnomAD 0.002%). In summary, the available evidence is currently insufficient to determine the role of this variant in disease. Therefore, it has been classified as a Variant of Uncertain Significance. This variant has not been reported in the literature in individuals affected with A2ML1-related conditions.